The following is an entry in ClinVar:

ClinVar aggregate classification (germline): Pathogenic (1 of 4 stars; one submission).

Allele frequency attached by ClinVar (database versions not stated): gnomAD exomes below 0.00001.

Submission:

GeneDx
Classification: Pathogenic. Last evaluated: 2016-01-13. Review status: criteria provided, single submitter. Criteria: GeneDx Variant Classification (06012015). Collection method: clinical testing. Allele origin: germline. Affected: yes.
Comment: The c.1145delT variant in the GTPBP3 gene has not been reported previously as a pathogenic variant nor as a benign variant, to our knowledge. The c.1145delT variant causes a frameshift starting with codon Leucine 382, changes this amino acid to an Arginine residue, and creates a premature Stop codon at position 5 of the new reading frame, denoted p.Leu382ArgfsX5. This variant is predicted to cause loss of normal protein function either through protein truncation or nonsense-mediated mRNA decay. The c.1145delT variant was not observed in approximately 6500 individuals of European and African American ancestry in the NHLBI Exome Sequencing Project, indicating it is not a common benign variant in these populations. A protein truncating pathogenic variant downstream of this variant has been reported in the Human Gene Mutation Database in association with GTPBP3-related disorders (Stenson et al., 2014), supporting the pathogenicity of more upstream truncating variants. We interpret c.1145delT as a pathogenic variant.

NM_032620.4(GTPBP3):c.1049del (p.Leu350fs)

Gene: GTPBP3 (GTP binding protein 3, mitochondrial; plus strand). Cytogenetic location: 19p13.11.
Variant type: Deletion.
Coding change: c.1049del on transcript NM_032620.4 (MANE Select); coding-DNA position 1049, one base deleted (T; older notation c.1049delT).
Protein change: p.Leu350fs; shifts the reading frame from leucine 350.
Molecular consequence: frameshift variant.
Genome position (GRCh38, 1-based): chr19:17,341,118, T deleted. VCF-style (leftmost placement, unchanged base first): chr19-17341117-CT-C. GRCh37 (hg19) VCF-style: chr19-17451926-CT-C.
Other names: c.986del, p.Leu329fs (NM_001128855.3); c.1115del, p.Leu372fs (NM_001195422.1); c.1145del, p.Leu382fs (NM_133644.4); short protein forms L329fs, L350fs, L372fs, L382fs.
Identifiers: ClinVar variation 280249 (VCV000280249.2), dbSNP rs886041488, ClinGen allele CA10603347.